The following is an entry in ClinVar:

NM_175914.5(HNF4A):c.538G>A (p.Ala180Thr)

Gene: HNF4A (hepatocyte nuclear factor 4 alpha; plus strand). Cytogenetic location: 20q13.12.
Variant type: single nucleotide variant.
Coding change: c.538G>A on transcript NM_175914.5 (MANE Select); coding-DNA position 538, G replaced by A.
Protein change: p.Ala180Thr; replaces alanine 180 with threonine.
Molecular consequence: missense variant.
Genome position (GRCh38, 1-based): chr20:44,414,618, G>A. VCF-style: chr20-44414618-G-A. GRCh37 (hg19) VCF-style: chr20-43043258-G-A.
Other names: c.604G>A, p.Ala202Thr (NM_000457.6, NM_178849.3, NM_178850.3); c.538G>A, p.Ala180Thr (NM_001030003.3, NM_001030004.3); c.583G>A, p.Ala195Thr (NM_001258355.2); c.529G>A, p.Ala177Thr (NM_001287182.2, NM_001287183.2, NM_001287184.2); short protein forms A177T, A195T, A180T, A202T.
Identifiers: ClinVar variation 2798402 (VCV002798402.3), dbSNP rs2515680128, ClinGen allele CA409106111.

ClinVar aggregate classification (germline): Uncertain significance (1 of 4 stars; one submission).

Submission:

Labcorp Genetics (formerly Invitae), Labcorp
Classification: Uncertain significance. Last evaluated: 2023-01-30. Review status: criteria provided, single submitter. Criteria: Invitae Variant Classification Sherloc (09022015). Collection method: clinical testing. Allele origin: germline.
Comment: In summary, the available evidence is currently insufficient to determine the role of this variant in disease. Therefore, it has been classified as a Variant of Uncertain Significance. This sequence change replaces alanine, which is neutral and non-polar, with threonine, which is neutral and polar, at codon 180 of the HNF4A protein (p.Ala180Thr). This variant is not present in population databases (gnomAD no frequency). This variant has not been reported in the literature in individuals affected with HNF4A-related conditions. Algorithms developed to predict the effect of missense changes on protein structure and function (SIFT, PolyPhen-2, Align-GVGD) all suggest that this variant is likely to be disruptive.